The following is an entry in ClinVar:

NM_006947.4(SRP72):c.484G>A (p.Glu162Lys)

Gene: SRP72 (signal recognition particle 72; plus strand). Cytogenetic location: 4q12.
Variant type: single nucleotide variant.
Coding change: c.484G>A on transcript NM_006947.4 (MANE Select); coding-DNA position 484, G replaced by A.
Protein change: p.Glu162Lys; replaces glutamic acid 162 with lysine.
Molecular consequence: missense variant. On other transcripts: non-coding transcript variant (1).
Genome position (GRCh38, 1-based): chr4:56,474,183, G>A. VCF-style: chr4-56474183-G-A. GRCh37 (hg19) VCF-style: chr4-57340349-G-A.
Other names: c.484G>A, p.Glu162Lys (NM_001267722.2); short protein forms E162K.
Identifiers: ClinVar variation 3360868 (VCV003360868.2).

ClinVar aggregate classification (germline): Uncertain significance. Review status: criteria provided, multiple submitters, no conflicts (2 of 4 stars). 2 submissions from 2 submitters: Uncertain significance (2). Last evaluated 2024-11-23.

gnomAD v4.1: 5 of 1,613,560 alleles (0.00031%); highest among the groups gnomAD compares: Non-Finnish European, 0.00042%; no homozygotes.

Submissions (2):

Ambry Genetics
Classification: Uncertain significance. Last evaluated: 2024-11-23. Review status: criteria provided, single submitter. Criteria: Ambry Variant Classification Scheme 2023. Collection method: clinical testing. Allele origin: germline.
Comment: The p.E162K variant (also known as c.484G>A), located in coding exon 4 of the SRP72 gene, results from a G to A substitution at nucleotide position 484. The glutamic acid at codon 162 is replaced by lysine, an amino acid with similar properties. This amino acid position is conserved. In addition, this alteration is predicted to be tolerated by in silico analysis. Based on the available evidence, the clinical significance of this variant remains unclear.

GeneDx
Classification: Uncertain significance. Last evaluated: 2023-07-18. Review status: criteria provided, single submitter. Criteria: GeneDx Variant Classification Process June 2021. Collection method: clinical testing. Allele origin: germline. Affected: yes.
Comment: Not observed at significant frequency in large population cohorts (gnomAD); In silico analysis supports that this missense variant does not alter protein structure/function; Has not been previously published as pathogenic or benign to our knowledge; This variant is associated with the following publications: (PMID: 28369529)